The following is an entry in ClinVar:

NM_012318.3(LETM1):c.691C>G (p.Leu231Val)

Gene: LETM1 (leucine zipper and EF-hand containing transmembrane protein 1; minus strand). Cytogenetic location: 4p16.3.
Variant type: single nucleotide variant.
Coding change: c.691C>G on transcript NM_012318.3 (MANE Select); coding-DNA position 691, C replaced by G.
Protein change: p.Leu231Val; replaces leucine 231 with valine.
Molecular consequence: missense variant.
Genome position (GRCh38, 1-based): chr4:1,836,476, G>C on the plus strand (C>G on the coding strand, the complement: LETM1 is on the minus strand). VCF-style: chr4-1836476-G-C. GRCh37 (hg19) VCF-style: chr4-1838203-G-C.
Other names: short protein forms L231V.
Identifiers: ClinVar variation 1905539 (VCV001905539.5), dbSNP rs2546872701, ClinGen allele CA356007904.

ClinVar aggregate classification (germline): Uncertain significance (1 of 4 stars; one submission).

Submission:

Labcorp Genetics (formerly Invitae), Labcorp
Classification: Uncertain significance. Last evaluated: 2022-10-14. Review status: criteria provided, single submitter. Criteria: Invitae Variant Classification Sherloc (09022015). Collection method: clinical testing. Allele origin: germline.
Comment: In summary, the available evidence is currently insufficient to determine the role of this variant in disease. Therefore, it has been classified as a Variant of Uncertain Significance. This sequence change replaces leucine, which is neutral and non-polar, with valine, which is neutral and non-polar, at codon 231 of the LETM1 protein (p.Leu231Val). This variant is not present in population databases (gnomAD no frequency). This variant has not been reported in the literature in individuals affected with LETM1-related conditions. Algorithms developed to predict the effect of missense changes on protein structure and function are either unavailable or do not agree on the potential impact of this missense change (SIFT: "Deleterious"; PolyPhen-2: "Probably Damaging"; Align-GVGD: "Class C0").